The following is an entry in ClinVar:

NM_004035.7(ACOX1):c.928T>C (p.Ser310Pro)

Gene: ACOX1 (acyl-CoA oxidase 1; minus strand). Cytogenetic location: 17q25.1.
Variant type: single nucleotide variant.
Coding change: c.928T>C on transcript NM_004035.7 (MANE Select); coding-DNA position 928, T replaced by C.
Protein change: p.Ser310Pro; replaces serine 310 with proline.
Molecular consequence: missense variant.
Genome position (GRCh38, 1-based): chr17:75,953,467, A>G on the plus strand (T>C on the coding strand, the complement: ACOX1 is on the minus strand). VCF-style: chr17-75953467-A-G. GRCh37 (hg19) VCF-style: chr17-73949548-A-G.
Other names: c.814T>C, p.Ser272Pro (NM_001185039.2); c.928T>C, p.Ser310Pro (NM_007292.6); short protein forms S310P, S272P.
Identifiers: ClinVar variation 2736667 (VCV002736667.3), dbSNP rs758962364, ClinGen allele CA8776891.

ClinVar aggregate classification (germline): Likely pathogenic (1 of 4 stars; one submission).

Conditions:
Acyl-CoA oxidase deficiency. Also called: Pseudoneonatal adrenoleukodystrophy; Peroxisomal acyl-CoA oxidase deficiency; STRAIGHT-CHAIN ACYL-CoA OXIDASE DEFICIENCY. Identifiers: Orphanet 2971, MedGen C1849678, MONDO:0009919, OMIM 264470. Disease mechanism: loss of function.

Allele frequency attached by ClinVar (database versions not stated): TOPMed below 0.00001; ExAC 0.00001.

Submission:

Labcorp Genetics (formerly Invitae), Labcorp
Classification: Likely pathogenic for Acyl-CoA oxidase deficiency. Last evaluated: 2023-06-06. Review status: criteria provided, single submitter. Criteria: Invitae Variant Classification Sherloc (09022015). Collection method: clinical testing. Allele origin: germline.
Comment: Advanced modeling of protein sequence and biophysical properties (such as structural, functional, and spatial information, amino acid conservation, physicochemical variation, residue mobility, and thermodynamic stability) performed at Invitae indicates that this missense variant is expected to disrupt ACOX1 protein function. This missense change has been observed in individual(s) with peroxisomal acyl-CoA oxidase deficiency (PMID: 17458872). This variant is present in population databases (rs758962364, gnomAD 0.007%). This sequence change replaces serine, which is neutral and polar, with proline, which is neutral and non-polar, at codon 310 of the ACOX1 protein (p.Ser310Pro). In summary, the currently available evidence indicates that the variant is pathogenic, but additional data are needed to prove that conclusively. Therefore, this variant has been classified as Likely Pathogenic.

Literature cited by the submitters: PubMed 17458872.